The following is an entry in ClinVar:

NM_015865.7(SLC14A1):c.-22+2268C>T

Gene: SLC14A1 (solute carrier family 14 member 1 (Kidd blood group); plus strand). Cytogenetic location: 18q12.3.
Variant type: single nucleotide variant.
Coding change: c.-22+2268C>T on transcript NM_015865.7 (MANE Select); 2268 bases into the intron after 22 bases upstream of the start codon, C replaced by T.
Molecular consequence: intron variant. On other transcripts: missense variant (2).
Genome position (GRCh38, 1-based): chr18:45,727,281, C>T. VCF-style: chr18-45727281-C-T. GRCh37 (hg19) VCF-style: chr18-43307246-C-T.
Other names: c.10C>T, p.Arg4Trp (NM_001128588.4, NM_001146037.1); c.-108-51C>T (NM_001146036.3); c.-165+2268C>T (NM_001308278.2); c.-56+2268C>T (NM_001308279.2); short protein forms R4W.
Identifiers: ClinVar variation 3060924 (VCV003060924.2), dbSNP rs11877062, ClinGen allele CA8947211.

ClinVar aggregate classification (germline): Benign (0 of 4 stars; one submission).

Conditions:
SLC14A1-related disorder. Also called: SLC14A1-related condition.

Allele frequency attached by ClinVar (database versions not stated): 1000 Genomes Project 30x 0.39850; 1000 Genomes Project 0.40196; ESP Exome Variant Server 0.40736; TOPMed 0.40903; gnomAD 0.41590; ExAC 0.43489; gnomAD exomes 0.48313.

Submission:

PreventionGenetics, part of Exact Sciences
Classification: Benign for SLC14A1-related condition. Last evaluated: 2019-10-17. Review status: no assertion criteria provided. Collection method: clinical testing. Allele origin: germline.
Comment: This variant is classified as benign based on ACMG/AMP sequence variant interpretation guidelines (Richards et al. 2015 PMID: 25741868, with internal and published modifications).